The following is an entry in ClinVar:

NM_015346.4(ZFYVE26):c.3403C>T (p.Gln1135Ter)

Gene: ZFYVE26 (zinc finger FYVE-type containing 26; minus strand). Cytogenetic location: 14q24.1.
Variant type: single nucleotide variant.
Coding change: c.3403C>T on transcript NM_015346.4 (MANE Select); coding-DNA position 3403, C replaced by T.
Protein change: p.Gln1135Ter; replaces glutamine 1135 with a stop codon.
Molecular consequence: nonsense.
Genome position (GRCh38, 1-based): chr14:67,785,179, G>A on the plus strand (C>T on the coding strand, the complement: ZFYVE26 is on the minus strand). VCF-style: chr14-67785179-G-A. GRCh37 (hg19) VCF-style: chr14-68251896-G-A.
Other names: short protein forms Q1135*.
Identifiers: ClinVar variation 843451 (VCV000843451.7), dbSNP rs2039616151, ClinGen allele CA390172326.

ClinVar aggregate classification (germline): Pathogenic (1 of 4 stars; one submission).

Conditions:
Spastic paraplegia. Identifiers: MedGen C0037772, HP:0001258.

Submission:

Labcorp Genetics (formerly Invitae), Labcorp
Classification: Pathogenic for Spastic paraplegia. Last evaluated: 2023-02-07. Review status: criteria provided, single submitter. Criteria: Invitae Variant Classification Sherloc (09022015). Collection method: clinical testing. Allele origin: germline.
Comment: ClinVar contains an entry for this variant (Variation ID: 843451). For these reasons, this variant has been classified as Pathogenic. This variant has not been reported in the literature in individuals affected with ZFYVE26-related conditions. This variant is not present in population databases (gnomAD no frequency). This sequence change creates a premature translational stop signal (p.Gln1135*) in the ZFYVE26 gene. It is expected to result in an absent or disrupted protein product. Loss-of-function variants in ZFYVE26 are known to be pathogenic (PMID: 18394578, 19805727).

Literature cited by the submitters: PubMed 18394578; PubMed 19805727.